The following is an entry in ClinVar:

ClinVar aggregate classification (germline): Uncertain significance (1 of 4 stars; one submission).

Conditions:
Cardiovascular phenotype. Identifiers: MedGen CN230736.

Allele frequency attached by ClinVar (database versions not stated): gnomAD exomes below 0.00001.
gnomAD v4.1: 1 of 1,614,230 alleles (0.000062%); highest among the groups gnomAD compares: Non-Finnish European, 0.000085%; no homozygotes.

Submission:

Ambry Genetics
Classification: Uncertain significance for Cardiovascular phenotype. Last evaluated: 2023-12-29. Review status: criteria provided, single submitter. Criteria: Ambry Variant Classification Scheme 2023. Collection method: clinical testing. Allele origin: germline.
Comment: The p.D273H variant (also known as c.817G>C), located in coding exon 4 of the CYP27A1 gene, results from a G to C substitution at nucleotide position 817. The aspartic acid at codon 273 is replaced by histidine, an amino acid with similar properties. This amino acid position is conserved. In addition, this alteration is predicted to be tolerated by in silico analysis. Since supporting evidence is limited at this time, the clinical significance of this alteration remains unclear.

NM_000784.4(CYP27A1):c.817G>C (p.Asp273His)

Gene: CYP27A1 (cytochrome P450 family 27 subfamily A member 1; plus strand). Cytogenetic location: 2q35.
Variant type: single nucleotide variant.
Coding change: c.817G>C on transcript NM_000784.4 (MANE Select); coding-DNA position 817, G replaced by C.
Protein change: p.Asp273His; replaces aspartic acid 273 with histidine.
Molecular consequence: missense variant.
Genome position (GRCh38, 1-based): chr2:218,812,722, G>C. VCF-style: chr2-218812722-G-C. GRCh37 (hg19) VCF-style: chr2-219677445-G-C.
Other names: short protein forms D273H.
Identifiers: ClinVar variation 3232291 (VCV003232291.1), dbSNP rs11559242, ClinGen allele CA350587515.